The following is an entry in ClinVar:

ClinVar aggregate classification (germline): Uncertain significance. Review status: criteria provided, multiple submitters, no conflicts (2 of 4 stars). 2 submissions from 2 submitters: Uncertain significance (2). Last evaluated 2025-08-23.

Conditions:
Inborn genetic diseases. Identifiers: MedGen C0950123, MeSH D030342.

Allele frequency attached by ClinVar (database versions not stated): gnomAD 0.00001; TOPMed 0.00004; gnomAD exomes 0.00005.
gnomAD v4.1: 70 of 1,540,810 alleles (0.0045%); highest among the groups gnomAD compares: Admixed American, 0.0059%; no homozygotes.

Submissions (2):

Ambry Genetics
Classification: Uncertain significance for Inborn genetic diseases. Last evaluated: 2025-08-23. Review status: criteria provided, single submitter. Criteria: Ambry Variant Classification Scheme 2023. Collection method: clinical testing. Allele origin: germline.

CeGaT Center for Human Genetics Tuebingen
Classification: Uncertain significance. Last evaluated: 2022-04-01. Review status: criteria provided, single submitter. Criteria: CeGaT Center For Human Genetics Tuebingen Variant Classification Criteria Version 2. Collection method: clinical testing. Allele origin: germline. Affected: yes. Observed: 1 variant allele.
Comment: GLS: PM2, BP5

NM_014905.5(GLS):c.295G>A (p.Ala99Thr)

Genes: GLS (glutaminase; plus strand), LOC129935270 (ATAC-STARR-seq lymphoblastoid silent region 12188; plus strand). Cytogenetic location: 2q32.2.
Variant type: single nucleotide variant.
Coding change: c.295G>A on transcript NM_014905.5 (MANE Select); coding-DNA position 295, G replaced by A.
Protein change: p.Ala99Thr; replaces alanine 99 with threonine.
Molecular consequence: missense variant.
Genome position (GRCh38, 1-based): chr2:190,881,379, G>A. VCF-style: chr2-190881379-G-A. GRCh37 (hg19) VCF-style: chr2-191746105-G-A.
Other names: c.295G>A, p.Ala99Thr (NM_001256310.2); short protein forms A99T.
Identifiers: ClinVar variation 2381012 (VCV002381012.27), dbSNP rs1410062609, ClinGen allele CA349900432.